The following is an entry in ClinVar:

ClinVar aggregate classification (germline): Likely benign (1 of 4 stars; one submission).

Submission:

CeGaT Center for Human Genetics Tuebingen
Classification: Likely benign. Last evaluated: 2026-07-01. Review status: criteria provided, single submitter. Criteria: CeGaT Center For Human Genetics Tuebingen Variant Classification Criteria Version 2. Collection method: clinical testing. Allele origin: germline. Affected: yes. Observed: 1 variant allele.
Comment: GRIK2: PM2:Supporting, BP4, BP7

NM_021956.5(GRIK2):c.2206C>T (p.Leu736=)

Gene: GRIK2 (glutamate ionotropic receptor kainate type subunit 2; plus strand). Cytogenetic location: 6q16.3.
Variant type: single nucleotide variant.
Coding change: c.2206C>T on transcript NM_021956.5 (MANE Select); coding-DNA position 2206, C replaced by T.
Protein change: p.Leu736=; no amino-acid change (leucine 736 retained).
Molecular consequence: synonymous variant.
Genome position (GRCh38, 1-based): chr6:102,035,461, C>T. VCF-style: chr6-102035461-C-T. GRCh37 (hg19) VCF-style: chr6-102483336-C-T.
Other names: c.2206C>T, p.Leu736= (NM_001166247.1, NM_175768.3).
Identifiers: ClinVar variation 4875387 (VCV004875387.2).